The following is an entry in ClinVar:

NM_016247.4(IMPG2):c.583+4T>C

Gene: IMPG2 (interphotoreceptor matrix proteoglycan 2; minus strand). Cytogenetic location: 3q12.3.
Variant type: single nucleotide variant.
Coding change: c.583+4T>C on transcript NM_016247.4 (MANE Select); 4 bases into the intron after coding-DNA position 583, T replaced by C.
Molecular consequence: intron variant.
Genome position (GRCh38, 1-based): chr3:101,276,660, A>G on the plus strand (T>C on the coding strand, the complement: IMPG2 is on the minus strand). VCF-style: chr3-101276660-A-G. GRCh37 (hg19) VCF-style: chr3-100995504-A-G.
Identifiers: ClinVar variation 850429 (VCV000850429.9), dbSNP rs757298720, ClinGen allele CA2519446.

ClinVar aggregate classification (germline): Uncertain significance. Review status: criteria provided, multiple submitters, no conflicts (2 of 4 stars). 3 submissions from 3 submitters: Uncertain significance (2). 1 of the submissions does not count toward it. Last evaluated 2022-10-17.

Conditions:
IMPG2-related disorder. Also called: IMPG2-related condition.

Allele frequency attached by ClinVar (database versions not stated): gnomAD 0.00001; gnomAD exomes 0.00001 and 0.00003; TOPMed 0.00002; ExAC 0.00003.
gnomAD v4.1: 13 of 1,594,470 alleles (0.00082%); highest among the groups gnomAD compares: Admixed American, 0.022%; no homozygotes.

Submissions (3):

Labcorp Genetics (formerly Invitae), Labcorp
Classification: Uncertain significance. Last evaluated: 2022-10-17. Review status: criteria provided, single submitter. Criteria: Invitae Variant Classification Sherloc (09022015). Collection method: clinical testing. Allele origin: germline.
Comment: This sequence change falls in intron 5 of the IMPG2 gene. It does not directly change the encoded amino acid sequence of the IMPG2 protein. It affects a nucleotide within the consensus splice site. This variant is present in population databases (rs757298720, gnomAD 0.03%). This variant has not been reported in the literature in individuals affected with IMPG2-related conditions. ClinVar contains an entry for this variant (Variation ID: 850429). Variants that disrupt the consensus splice site are a relatively common cause of aberrant splicing (PMID: 17576681, 9536098). Algorithms developed to predict the effect of sequence changes on RNA splicing suggest that this variant is not likely to affect RNA splicing. In summary, the available evidence is currently insufficient to determine the role of this variant in disease. Therefore, it has been classified as a Variant of Uncertain Significance.

Blueprint Genetics
Classification: Uncertain significance. Last evaluated: 2018-12-19. Review status: criteria provided, single submitter. Criteria: ACMG Guidelines, 2015. Collection method: clinical testing. Allele origin: germline.

PreventionGenetics, part of Exact Sciences
Classification: Likely benign for IMPG2-related condition. Last evaluated: 2024-08-15. Review status: no assertion criteria provided. Collection method: clinical testing. Allele origin: germline. Not counted in ClinVar's aggregate classification.
Comment: This variant is classified as likely benign based on ACMG/AMP sequence variant interpretation guidelines (Richards et al. 2015 PMID: 25741868, with internal and published modifications).

Literature cited by the submitters: PubMed 17576681 (cited by Labcorp Genetics (formerly Invitae), Labcorp); PubMed 9536098 (cited by Labcorp Genetics (formerly Invitae), Labcorp).